The following is an entry in ClinVar:

NM_000094.4(COL7A1):c.8263G>A (p.Ala2755Thr)

Gene: COL7A1 (collagen type VII alpha 1 chain; minus strand). Cytogenetic location: 3p21.31.
Variant type: single nucleotide variant.
Coding change: c.8263G>A on transcript NM_000094.4 (MANE Select); coding-DNA position 8263, G replaced by A.
Protein change: p.Ala2755Thr; replaces alanine 2755 with threonine.
Molecular consequence: missense variant.
Genome position (GRCh38, 1-based): chr3:48,566,701, C>T on the plus strand (G>A on the coding strand, the complement: COL7A1 is on the minus strand). VCF-style: chr3-48566701-C-T. GRCh37 (hg19) VCF-style: chr3-48604134-C-T.
Other names: short protein forms A2755T.
Identifiers: ClinVar variation 2840040 (VCV002840040.3), dbSNP rs1280437374, ClinGen allele CA352638846.

ClinVar aggregate classification (germline): Uncertain significance (1 of 4 stars; one submission).

Allele frequency attached by ClinVar (database versions not stated): gnomAD exomes below 0.00001.
gnomAD v4.1: 3 of 1,613,938 alleles (0.00019%); highest among the groups gnomAD compares: African/African-American, 0.0013%; no homozygotes.

Submission:

Labcorp Genetics (formerly Invitae), Labcorp
Classification: Uncertain significance. Last evaluated: 2024-02-05. Review status: criteria provided, single submitter. Criteria: Invitae Variant Classification Sherloc (09022015). Collection method: clinical testing. Allele origin: germline.
Comment: This sequence change replaces alanine, which is neutral and non-polar, with threonine, which is neutral and polar, at codon 2755 of the COL7A1 protein (p.Ala2755Thr). This variant is not present in population databases (gnomAD no frequency). This variant has not been reported in the literature in individuals affected with COL7A1-related conditions. Advanced modeling of protein sequence and biophysical properties (such as structural, functional, and spatial information, amino acid conservation, physicochemical variation, residue mobility, and thermodynamic stability) performed at Invitae indicates that this missense variant is not expected to disrupt COL7A1 protein function with a negative predictive value of 95%. In summary, the available evidence is currently insufficient to determine the role of this variant in disease. Therefore, it has been classified as a Variant of Uncertain Significance.